The following is an entry in ClinVar:

ClinVar aggregate classification (germline): Uncertain significance (1 of 4 stars; one submission).

Allele frequency attached by ClinVar (database versions not stated): gnomAD 0.00002; gnomAD exomes 0.00002; ExAC 0.00003; TOPMed 0.00003.
gnomAD v4.1: 30 of 1,609,492 alleles (0.0019%); highest among the groups gnomAD compares: Admixed American, 0.02%; no homozygotes.

Submission:

Labcorp Genetics (formerly Invitae), Labcorp
Classification: Uncertain significance. Last evaluated: 2024-06-18. Review status: criteria provided, single submitter. Criteria: Invitae Variant Classification Sherloc (09022015). Collection method: clinical testing. Allele origin: germline.
Comment: This sequence change replaces glutamine, which is neutral and polar, with glutamic acid, which is acidic and polar, at codon 262 of the CA4 protein (p.Gln262Glu). This variant is present in population databases (rs769149664, gnomAD 0.02%). This variant has not been reported in the literature in individuals affected with CA4-related conditions. ClinVar contains an entry for this variant (Variation ID: 2156785). An algorithm developed to predict the effect of missense changes on protein structure and function (PolyPhen-2) suggests that this variant is likely to be tolerated. In summary, the available evidence is currently insufficient to determine the role of this variant in disease. Therefore, it has been classified as a Variant of Uncertain Significance.

NM_000717.5(CA4):c.784C>G (p.Gln262Glu)

Gene: CA4 (carbonic anhydrase 4; plus strand). Cytogenetic location: 17q23.1.
Variant type: single nucleotide variant.
Coding change: c.784C>G on transcript NM_000717.5 (MANE Select); coding-DNA position 784, C replaced by G.
Protein change: p.Gln262Glu; replaces glutamine 262 with glutamic acid.
Molecular consequence: missense variant. On other transcripts: non-coding transcript variant (1).
Genome position (GRCh38, 1-based): chr17:60,159,269, C>G. VCF-style: chr17-60159269-C-G. GRCh37 (hg19) VCF-style: chr17-58236630-C-G.
Other names: short protein forms Q262E.
Identifiers: ClinVar variation 2156785 (VCV002156785.4), dbSNP rs769149664, ClinGen allele CA8685537.